The following is an entry in ClinVar:

ClinVar aggregate classification (germline): Uncertain significance (1 of 4 stars; one submission).

Submission:

Labcorp Genetics (formerly Invitae), Labcorp
Classification: Uncertain significance. Last evaluated: 2018-06-04. Review status: criteria provided, single submitter. Criteria: Invitae Variant Classification Sherloc (09022015). Collection method: clinical testing. Allele origin: germline.
Comment: Algorithms developed to predict the effect of missense changes on protein structure and function are either unavailable or do not agree on the potential impact of this missense change (SIFT: "Deleterious"; PolyPhen-2: "Probably Damaging"; Align-GVGD: "Class C0"). In summary, the available evidence is currently insufficient to determine the role of this variant in disease. Therefore, it has been classified as a Variant of Uncertain Significance. This variant has not been reported in the literature in individuals with POLE-related disease. This variant is not present in population databases (ExAC no frequency). This sequence change replaces cysteine with tyrosine at codon 810 of the POLE protein (p.Cys810Tyr). The cysteine residue is highly conserved and there is a large physicochemical difference between cysteine and tyrosine.

NM_006231.4(POLE):c.2429G>A (p.Cys810Tyr)

Gene: POLE (DNA polymerase epsilon, catalytic subunit; minus strand). Cytogenetic location: 12q24.33.
Variant type: single nucleotide variant.
Coding change: c.2429G>A on transcript NM_006231.4 (MANE Select); coding-DNA position 2429, G replaced by A.
Protein change: p.Cys810Tyr; replaces cysteine 810 with tyrosine.
Molecular consequence: missense variant.
Genome position (GRCh38, 1-based): chr12:132,665,341, C>T on the plus strand (G>A on the coding strand, the complement: POLE is on the minus strand). VCF-style: chr12-132665341-C-T. GRCh37 (hg19) VCF-style: chr12-133241927-C-T.
Other names: short protein forms C810Y.
Identifiers: ClinVar variation 575143 (VCV000575143.8), dbSNP rs1565962279, ClinGen allele CA387397116.